The following is an entry in ClinVar:

ClinVar aggregate classification (germline): Uncertain significance (1 of 4 stars; one submission).

Conditions:
Inborn genetic diseases. Identifiers: MedGen C0950123, MeSH D030342.

Submission:

Ambry Genetics
Classification: Uncertain significance for Inborn genetic diseases. Last evaluated: 2025-04-25. Review status: criteria provided, single submitter. Criteria: Ambry Variant Classification Scheme 2023. Collection method: clinical testing. Allele origin: germline.
Comment: The p.V1951A variant (also known as c.5852T>C), located in coding exon 22 of the FANCM gene, results from a T to C substitution at nucleotide position 5852. The valine at codon 1951 is replaced by alanine, an amino acid with similar properties. This amino acid position is conserved. In addition, this alteration is predicted to be tolerated by in silico analysis. Based on the available evidence, the clinical significance of this variant remains unclear.

NM_020937.4(FANCM):c.5852T>C (p.Val1951Ala)

Gene: FANCM (FA complementation group M; plus strand). Cytogenetic location: 14q21.2.
Variant type: single nucleotide variant.
Coding change: c.5852T>C on transcript NM_020937.4 (MANE Select); coding-DNA position 5852, T replaced by C.
Protein change: p.Val1951Ala; replaces valine 1951 with alanine.
Molecular consequence: missense variant.
Genome position (GRCh38, 1-based): chr14:45,198,779, T>C. VCF-style: chr14-45198779-T-C. GRCh37 (hg19) VCF-style: chr14-45667982-T-C.
Other names: c.5774T>C, p.Val1925Ala (NM_001308133.2); short protein forms V1925A, V1951A.
Identifiers: ClinVar variation 4022725 (VCV004022725.1).